The following is an entry in ClinVar:

NM_001312909.2(FAM111A):c.143A>G (p.Asp48Gly)

Gene: FAM111A (FAM111 trypsin like peptidase A; plus strand). Cytogenetic location: 11q12.1.
Variant type: single nucleotide variant.
Coding change: c.143A>G on transcript NM_001312909.2 (MANE Select); coding-DNA position 143, A replaced by G.
Protein change: p.Asp48Gly; replaces aspartic acid 48 with glycine.
Molecular consequence: missense variant.
Genome position (GRCh38, 1-based): chr11:59,151,811, A>G. VCF-style: chr11-59151811-A-G. GRCh37 (hg19) VCF-style: chr11-58919284-A-G.
Other names: c.143A>G, p.Asp48Gly (NM_001374848.1, NM_001374849.1, NM_001374850.1 and 29 more transcripts); short protein forms D48G.
Identifiers: ClinVar variation 4699953 (VCV004699953.1).

ClinVar aggregate classification (germline): Uncertain significance (1 of 4 stars; one submission).

Submission:

Labcorp Genetics (formerly Invitae), Labcorp
Classification: Uncertain significance. Last evaluated: 2025-10-22. Review status: criteria provided, single submitter. Criteria: Invitae Variant Classification Sherloc (09022015). Collection method: clinical testing. Allele origin: germline.
Comment: This sequence change replaces aspartic acid, which is acidic and polar, with glycine, which is neutral and non-polar, at codon 48 of the FAM111A protein (p.Asp48Gly). This variant is not present in population databases (gnomAD no frequency). This variant has not been reported in the literature in individuals affected with FAM111A-related conditions. An algorithm developed to predict the effect of missense changes on protein structure and function outputs the following: PolyPhen-2: "Benign". The glycine amino acid residue is found in multiple mammalian species, which suggests that this missense change does not adversely affect protein function. In summary, the available evidence is currently insufficient to determine the role of this variant in disease. Therefore, it has been classified as a Variant of Uncertain Significance.